The following is an entry in ClinVar:

NM_015272.5(RPGRIP1L):c.1581+1G>A

Gene: RPGRIP1L (RPGRIP1 like; minus strand). Cytogenetic location: 16q12.2.
Variant type: single nucleotide variant.
Coding change: c.1581+1G>A on transcript NM_015272.5 (MANE Select); the canonical splice donor site of the intron after coding-DNA position 1581, G replaced by A.
Molecular consequence: splice donor variant.
Genome position (GRCh38, 1-based): chr16:53,657,452, C>T on the plus strand (G>A on the coding strand, the complement: RPGRIP1L is on the minus strand). VCF-style: chr16-53657452-C-T. GRCh37 (hg19) VCF-style: chr16-53691364-C-T.
Other names: c.1581+1G>A (NM_001127897.4, NM_001330538.2, NM_001308334.3).
Identifiers: ClinVar variation 2954475 (VCV002954475.3), dbSNP rs2544279628, ClinGen allele CA395918623.

ClinVar aggregate classification (germline): Likely pathogenic (1 of 4 stars; one submission).

Conditions:
Joubert syndrome. Also called: CEREBELLOPARENCHYMAL DISORDER IV; JOUBERT-BOLTSHAUSER SYNDROME; Familial aplasia of the vermis. Identifiers: Orphanet 475, MedGen C5979921, MONDO:0018772.
Meckel-Gruber syndrome. Also called: DYSENCEPHALIA SPLANCHNOCYSTICA; GRUBER SYNDROME; Dysencephalia splachnocystica. Identifiers: Orphanet 564, MedGen C0265215, MONDO:0018921.

Submission:

Labcorp Genetics (formerly Invitae), Labcorp
Classification: Likely pathogenic for Joubert syndrome; Meckel-Gruber syndrome. Last evaluated: 2023-12-06. Review status: criteria provided, single submitter. Criteria: Invitae Variant Classification Sherloc (09022015). Collection method: clinical testing. Allele origin: germline.
Comment: This sequence change affects a donor splice site in intron 13 of the RPGRIP1L gene. It is expected to disrupt RNA splicing. Variants that disrupt the donor or acceptor splice site typically lead to a loss of protein function (PMID: 16199547), and loss-of-function variants in RPGRIP1L are known to be pathogenic (PMID: 17558409). This variant is not present in population databases (gnomAD no frequency). This variant has not been reported in the literature in individuals affected with RPGRIP1L-related conditions. Algorithms developed to predict the effect of sequence changes on RNA splicing suggest that this variant may disrupt the consensus splice site. In summary, the currently available evidence indicates that the variant is pathogenic, but additional data are needed to prove that conclusively. Therefore, this variant has been classified as Likely Pathogenic.

Literature cited by the submitters: PubMed 16199547; PubMed 17558409.